The following is an entry in ClinVar:

ClinVar aggregate classification (germline): Uncertain significance (1 of 4 stars; one submission).

Submission:

Ambry Genetics
Classification: Uncertain significance. Last evaluated: 2021-12-10. Review status: criteria provided, single submitter. Criteria: Ambry Variant Classification Scheme 2023. Collection method: clinical testing. Allele origin: germline.
Comment: The p.A1148E variant (also known as c.3443C>A), located in coding exon 29 of the PRKDC gene, results from a C to A substitution at nucleotide position 3443. The alanine at codon 1148 is replaced by glutamic acid, an amino acid with dissimilar properties. This amino acid position is conserved. In addition, this alteration is predicted to be tolerated by in silico analysis. Since supporting evidence is limited at this time, the clinical significance of this alteration remains unclear.

NM_006904.7(PRKDC):c.3443C>A (p.Ala1148Glu)

Gene: PRKDC (protein kinase, DNA-activated, catalytic subunit; minus strand). Cytogenetic location: 8q11.21.
Variant type: single nucleotide variant.
Coding change: c.3443C>A on transcript NM_006904.7 (MANE Select); coding-DNA position 3443, C replaced by A.
Protein change: p.Ala1148Glu; replaces alanine 1148 with glutamic acid.
Molecular consequence: missense variant.
Genome position (GRCh38, 1-based): chr8:47,898,491, G>T on the plus strand (C>A on the coding strand, the complement: PRKDC is on the minus strand). VCF-style: chr8-47898491-G-T. GRCh37 (hg19) VCF-style: chr8-48811051-G-T.
Other names: c.3443C>A, p.Ala1148Glu (NM_001081640.2); short protein forms A1148E.
Identifiers: ClinVar variation 1731485 (VCV001731485.2), dbSNP rs1421813164, ClinGen allele CA371154393.
Genomic context (GRCh38, chr8:47,898,491, plus strand): 5'-GTTGTGGGAAAAGACGGAAAAGGAAGCAAGATCACCTACCGCGGCAAACGTCGTTTCTTT[G>T]CTTTATTTAAAGAAACATGCTTCTTTTCAATGATGCGGCATAGGTGATCAATGGCATCAC-3'
Protein context (NP_008835.5, residues 1138-1158): IEKKHVSLNK[Ala1148Glu]KKRRLPRGFP